The following is an entry in ClinVar:

ClinVar aggregate classification (germline): Uncertain significance (1 of 4 stars; one submission).

Conditions:
Inborn genetic diseases. Identifiers: MedGen C0950123, MeSH D030342.

Submission:

Ambry Genetics
Classification: Uncertain significance for Inborn genetic diseases. Last evaluated: 2025-05-03. Review status: criteria provided, single submitter. Criteria: Ambry Variant Classification Scheme 2023. Collection method: clinical testing. Allele origin: germline.
Comment: The c.-2G>T variant is located in the 5' untranslated region (5&rsquo; UTR) of the DDX41 gene. This variant results from a G to T substitution 2 bases upstream from the first translated codon. This nucleotide position is not well conserved in available vertebrate species. Based on the available evidence, the clinical significance of this variant remains unclear.

NM_016222.4(DDX41):c.-2G>T

Gene: DDX41 (DEAD-box helicase 41; minus strand). Cytogenetic location: 5q35.3.
Variant type: single nucleotide variant.
Coding change: c.-2G>T on transcript NM_016222.4 (MANE Select); 2 bases upstream of the start codon, G replaced by T.
Molecular consequence: 5 prime UTR variant.
Genome position (GRCh38, 1-based): chr5:177,516,947, C>A on the plus strand (G>T on the coding strand, the complement: DDX41 is on the minus strand). VCF-style: chr5-177516947-C-A. GRCh37 (hg19) VCF-style: chr5-176943948-C-A.
Other names: c.-657G>T (NM_001321732.2); c.-449G>T (NM_001321830.2).
Identifiers: ClinVar variation 4010337 (VCV004010337.1).